The following is an entry in ClinVar:

NM_001145809.2(MYH14):c.2821G>A (p.Ala941Thr)

Gene: MYH14 (myosin heavy chain 14; plus strand). Cytogenetic location: 19q13.33.
Variant type: single nucleotide variant.
Coding change: c.2821G>A on transcript NM_001145809.2 (MANE Select); coding-DNA position 2821, G replaced by A.
Protein change: p.Ala941Thr; replaces alanine 941 with threonine.
Molecular consequence: missense variant.
Genome position (GRCh38, 1-based): chr19:50,267,003, G>A. VCF-style: chr19-50267003-G-A. GRCh37 (hg19) VCF-style: chr19-50770260-G-A.
Other names: c.2722G>A, p.Ala908Thr (NM_001077186.2); c.2698G>A, p.Ala900Thr (NM_024729.4); short protein forms A900T, A908T, A941T.
Identifiers: ClinVar variation 2637832 (VCV002637832.1), dbSNP rs1304551812, ClinGen allele CA406947763.

ClinVar aggregate classification (germline): Uncertain significance (1 of 4 stars; one submission).

gnomAD v4.1: 1 of 1,560,638 alleles (0.000064%); highest among the groups gnomAD compares: Non-Finnish European, 0.000087%; no homozygotes.

Submission:

Women's Health and Genetics/Laboratory Corporation of America, LabCorp
Classification: Uncertain significance. Last evaluated: 2023-10-19. Review status: criteria provided, single submitter. Criteria: LabCorp Variant Classification Summary - May 2015. Collection method: clinical testing. Allele origin: germline.
Comment: Variant summary: MYH14 c.2698G>A (p.Ala900Thr) results in a non-conservative amino acid change located in the Myosin tail (IPR002928) of the encoded protein sequence. Four of five in-silico tools predict a benign effect of the variant on protein function. The variant was absent in 166870 control chromosomes. The available data on variant occurrences in the general population are insufficient to allow any conclusion about variant significance. To our knowledge, no occurrence of c.2698G>A in individuals affected with Deafness, Autosomal Dominant 4 and no experimental evidence demonstrating its impact on protein function have been reported. No submitters have cited clinical-significance assessments for this variant to ClinVar after 2014. Based on the evidence outlined above, the variant was classified as uncertain significance.